The following is an entry in ClinVar:

NM_174878.3(CLRN1):c.619C>T (p.Arg207Ter)

Gene: CLRN1 (clarin 1; minus strand). Cytogenetic location: 3q25.1.
Variant type: single nucleotide variant.
Coding change: c.619C>T on transcript NM_174878.3 (MANE Select); coding-DNA position 619, C replaced by T.
Protein change: p.Arg207Ter; replaces arginine 207 with a stop codon.
Molecular consequence: nonsense. On other transcripts: 3 prime UTR variant (1), non-coding transcript variant (1), intron variant (1).
Genome position (GRCh38, 1-based): chr3:150,928,016, G>A on the plus strand (C>T on the coding strand, the complement: CLRN1 is on the minus strand). VCF-style: chr3-150928016-G-A. GRCh37 (hg19) VCF-style: chr3-150645803-G-A.
Other names: c.658C>T, p.Arg220Ter (NM_001195794.1); c.*233C>T (NM_001256819.2); c.342+49C>T (NM_052995.2); short protein forms R207*, R220*.
Identifiers: ClinVar variation 371628 (VCV000371628.20), dbSNP rs373208120, ClinGen allele CA2666003.

ClinVar aggregate classification (germline): Pathogenic/Likely pathogenic. Review status: criteria provided, multiple submitters, no conflicts (2 of 4 stars). 7 submissions from 7 submitters: Pathogenic (5); Likely pathogenic (1). 1 of the submissions does not count toward it. Last evaluated 2025-11-19.

Conditions:
Retinitis pigmentosa 61 (RP61). Identifiers: Orphanet 791, MedGen C3280041, MONDO:0013610, OMIM 614180.
Usher syndrome type 3A (USH3A). Also called: USHER SYNDROME, TYPE IIIA. Identifiers: MedGen C5779850, MONDO:0010170, OMIM 276902.
CLRN1-related disorder. Also called: CLRN1-related condition.
Usher syndrome type 3. Also called: Usher Syndrome, Type III. Identifiers: Orphanet 231183, MedGen C1568248, MONDO:0016485.

Allele frequency attached by ClinVar (database versions not stated): gnomAD 0.00001; ExAC 0.00002; TOPMed 0.00002; gnomAD exomes 0.00003; ESP Exome Variant Server 0.00015.
gnomAD v4.1: 49 of 1,614,064 alleles (0.003%); highest among the groups gnomAD compares: Admixed American, 0.005%; no homozygotes.

Submissions (7):

PreventionGenetics, part of Exact Sciences
Classification: Pathogenic for CLRN1-related condition. Last evaluated: 2025-11-19. Review status: criteria provided, single submitter. Criteria: ACMG Guidelines, 2015. Collection method: clinical testing. Allele origin: germline.
Comment: The CLRN1 c.658C>T variant is predicted to result in premature protein termination (p.Arg220*). This variant was reported in the homozygous and compound heterozygous state to a truncating variant in multiple individuals with Usher syndrome (described as p.R207*; Licastro et al. 2012. PubMed ID: 22952768; García-García et al. 2012. PubMed ID: 23304067; Santana et al. 2019. PubMed ID: 31231422). This variant is reported in 0.0085% of alleles in individuals of Latino descent in gnomAD. Nonsense variants in CLRN1 are expected to be pathogenic. This variant is interpreted as pathogenic.

Labcorp Genetics (formerly Invitae), Labcorp
Classification: Pathogenic. Last evaluated: 2025-06-02. Review status: criteria provided, single submitter. Criteria: Invitae Variant Classification Sherloc (09022015). Collection method: clinical testing. Allele origin: germline.
Comment: This sequence change creates a premature translational stop signal (p.Arg207*) in the CLRN1 gene. While this is not anticipated to result in nonsense mediated decay, it is expected to disrupt the last 26 amino acid(s) of the CLRN1 protein. This variant is present in population databases (rs373208120, gnomAD 0.009%). This premature translational stop signal has been observed in individual(s) with Usher syndrome (PMID: 22952768, 23304067, 26338283). In at least one individual the data is consistent with being in trans (on the opposite chromosome) from a pathogenic variant. It has also been observed to segregate with disease in related individuals. This variant is also known as c.C658T (p.R220X). ClinVar contains an entry for this variant (Variation ID: 371628). For these reasons, this variant has been classified as Pathogenic.

Natera, Inc.
Classification: Likely pathogenic for Usher syndrome type 3. Last evaluated: 2025-01-21. Review status: criteria provided, single submitter. Criteria: Natera Variant Classification Schema (03/2026). Collection method: clinical testing. Allele origin: germline.
Comment: The c.619C>T variant in CLRN1 is a nonsense variant predicted to introduce a stop codon at amino acid 207. This variant may result in a truncated or dysfunctional protein product. This variant is rare in the general population with a frequency below the threshold expected for the associated phenotype(s). This variant has been observed in one or more individuals affected with the associated recessive disease, as either homozygous or compound heterozygous with a second variant (PMID: 22952768, 31231422, 23304067). Additionally, this variant has been observed to segregate in affected family members (PMID: 23304067). Given the available evidence, this variant is classified as Likely Pathogenic.

Fulgent Genetics
Classification: Pathogenic for Usher syndrome type 3A; Retinitis pigmentosa 61. Last evaluated: 2024-04-09. Review status: criteria provided, single submitter. Criteria: ACMG Guidelines, 2015. Collection method: clinical testing. Allele origin: germline.

Baylor Genetics
Classification: Pathogenic for Retinitis pigmentosa 61. Last evaluated: 2023-12-05. Review status: criteria provided, single submitter. Criteria: ACMG Guidelines, 2015. Collection method: clinical testing. Allele origin: unknown.

Blueprint Genetics
Classification: Pathogenic for CLRN1-related disorders. Last evaluated: 2020-08-19. Review status: criteria provided, single submitter. Criteria: ACMG Guidelines, 2015. Collection method: clinical testing. Allele origin: germline. Affected: yes. Observed: 2 variant alleles.

Counsyl
Classification: Pathogenic for Usher syndrome type 3A. Last evaluated: 2016-11-02. Review status: no assertion criteria provided. Collection method: clinical testing. Allele origin: unknown. Not counted in ClinVar's aggregate classification.

Literature cited by the submitters: PubMed 22952768 (cited by 3 submitters); PubMed 23304067 (cited by 3 submitters); PubMed 26338283 (cited by Labcorp Genetics (formerly Invitae), Labcorp); PubMed 31231422 (cited by Natera, Inc.).